The following is an entry in ClinVar:

NM_173560.4(RFX6):c.1183-5T>C

Gene: RFX6 (regulatory factor X6; plus strand). Cytogenetic location: 6q22.1.
Variant type: single nucleotide variant.
Coding change: c.1183-5T>C on transcript NM_173560.4 (MANE Select); 5 bases into the intron before coding-DNA position 1183, T replaced by C.
Molecular consequence: intron variant.
Genome position (GRCh38, 1-based): chr6:116,920,305, T>C. VCF-style: chr6-116920305-T-C. GRCh37 (hg19) VCF-style: chr6-117241468-T-C.
Other names: c.1183-5T>C (NM_173560.3).
Identifiers: ClinVar variation 2416576 (VCV002416576.8), dbSNP rs200284797, ClinGen allele CA3973243.

ClinVar aggregate classification (germline): Likely benign. Review status: criteria provided, single submitter (1 of 4 stars). 2 submissions from 2 submitters: Likely benign (1). 1 of the submissions does not count toward it. Last evaluated 2025-06-11.

Conditions:
RFX6-related disorder. Also called: RFX6-related condition.

Allele frequency attached by ClinVar (database versions not stated): ExAC 0.00029; TOPMed 0.00036; ESP Exome Variant Server 0.00062; gnomAD exomes 0.00077.
gnomAD v4.1: 1,173 of 1,608,466 alleles (0.073%); highest among the groups gnomAD compares: Non-Finnish European, 0.094%; 2 homozygotes.

Submissions (2):

Labcorp Genetics (formerly Invitae), Labcorp
Classification: Likely benign. Last evaluated: 2025-06-11. Review status: criteria provided, single submitter. Criteria: Invitae Variant Classification Sherloc (09022015). Collection method: clinical testing. Allele origin: germline.

PreventionGenetics, part of Exact Sciences
Classification: Likely benign for RFX6-related condition. Last evaluated: 2021-10-18. Review status: no assertion criteria provided. Collection method: clinical testing. Allele origin: germline. Not counted in ClinVar's aggregate classification.
Comment: This variant is classified as likely benign based on ACMG/AMP sequence variant interpretation guidelines (Richards et al. 2015 PMID: 25741868, with internal and published modifications).